The following is an entry in ClinVar:

NM_016123.4(IRAK4):c.488C>T (p.Thr163Ile)

Gene: IRAK4 (interleukin 1 receptor associated kinase 4; plus strand). Cytogenetic location: 12q12.
Variant type: single nucleotide variant.
Coding change: c.488C>T on transcript NM_016123.4 (MANE Select); coding-DNA position 488, C replaced by T.
Protein change: p.Thr163Ile; replaces threonine 163 with isoleucine.
Molecular consequence: missense variant. On other transcripts: 5 prime UTR variant (2).
Genome position (GRCh38, 1-based): chr12:43,772,360, C>T. VCF-style: chr12-43772360-C-T. GRCh37 (hg19) VCF-style: chr12-44166163-C-T.
Other names: c.488C>T, p.Thr163Ile (NM_001114182.3, NM_001351345.2); c.116C>T, p.Thr39Ile (NM_001145256.2, NM_001145257.2, NM_001145258.2 and 5 more transcripts); c.-36C>T (NM_001351343.2, NM_001351344.2); short protein forms T163I, T39I.
Identifiers: ClinVar variation 2908840 (VCV002908840.1), dbSNP rs2540432308, ClinGen allele CA384469910.

ClinVar aggregate classification (germline): Uncertain significance (1 of 4 stars; one submission).

Conditions:
Immunodeficiency 67. Also called: Immunodeficiency due to interleukin-1 receptor-associated kinase-4 deficiency. Identifiers: Orphanet 70592, MedGen C1843256, MONDO:0011888, OMIM 607676.

Allele frequency attached by ClinVar (database versions not stated): gnomAD exomes below 0.00001.
gnomAD v4.1: 1 of 1,610,470 alleles (0.000062%); highest among the groups gnomAD compares: East Asian, 0.0022%; no homozygotes.

Submission:

Labcorp Genetics (formerly Invitae), Labcorp
Classification: Uncertain significance for Immunodeficiency 67. Last evaluated: 2023-12-02. Review status: criteria provided, single submitter. Criteria: Invitae Variant Classification Sherloc (09022015). Collection method: clinical testing. Allele origin: germline.
Comment: This sequence change replaces threonine, which is neutral and polar, with isoleucine, which is neutral and non-polar, at codon 163 of the IRAK4 protein (p.Thr163Ile). This variant is not present in population databases (gnomAD no frequency). This variant has not been reported in the literature in individuals affected with IRAK4-related conditions. An algorithm developed to predict the effect of missense changes on protein structure and function (PolyPhen-2) suggests that this variant¬†is likely to be tolerated. In summary, the available evidence is currently insufficient to determine the role of this variant in disease. Therefore, it has been classified as a Variant of Uncertain Significance.